The following is an entry in ClinVar:

ClinVar aggregate classification (germline): Uncertain significance (1 of 4 stars; one submission).

Conditions:
Cardiovascular phenotype. Identifiers: MedGen CN230736.

gnomAD v4.1: 1 of 1,613,616 alleles (0.000062%); highest among the groups gnomAD compares: African/African-American, 0.0013%; no homozygotes.

Submission:

Ambry Genetics
Classification: Uncertain significance for Cardiovascular phenotype. Last evaluated: 2021-10-19. Review status: criteria provided, single submitter. Criteria: Ambry Variant Classification Scheme 2023. Collection method: clinical testing. Allele origin: germline.
Comment: The p.G2361D variant (also known as c.7082G>A), located in coding exon 46 of the RYR2 gene, results from a G to A substitution at nucleotide position 7082. The glycine at codon 2361 is replaced by aspartic acid, an amino acid with similar properties. This amino acid position is highly conserved in available vertebrate species. In addition, the in silico prediction for this alteration is inconclusive. Since supporting evidence is limited at this time, the clinical significance of this alteration remains unclear.

NM_001035.3(RYR2):c.7082G>A (p.Gly2361Asp)

Gene: RYR2 (ryanodine receptor 2; plus strand). Cytogenetic location: 1q43.
Variant type: single nucleotide variant.
Coding change: c.7082G>A on transcript NM_001035.3 (MANE Select); coding-DNA position 7082, G replaced by A.
Protein change: p.Gly2361Asp; replaces glycine 2361 with aspartic acid.
Molecular consequence: missense variant.
Genome position (GRCh38, 1-based): chr1:237,639,168, G>A. VCF-style: chr1-237639168-G-A. GRCh37 (hg19) VCF-style: chr1-237802468-G-A.
Other names: short protein forms G2361D.
Identifiers: ClinVar variation 1757049 (VCV001757049.2), dbSNP rs1361928374, ClinGen allele CA345396046.